The following is an entry in ClinVar:

NM_007055.4(POLR3A):c.346A>G (p.Met116Val)

Genes: POLR3A (RNA polymerase III subunit A; minus strand), LOC126860971 (CDK7 strongly-dependent group 2 enhancer GRCh37_chr10:79784551-79785750; plus strand). Cytogenetic location: 10q22.3.
Variant type: single nucleotide variant.
Coding change: c.346A>G on transcript NM_007055.4 (MANE Select); coding-DNA position 346, A replaced by G.
Protein change: p.Met116Val; replaces methionine 116 with valine.
Molecular consequence: missense variant.
Genome position (GRCh38, 1-based): chr10:78,025,115, T>C on the plus strand (A>G on the coding strand, the complement: POLR3A is on the minus strand). VCF-style: chr10-78025115-T-C. GRCh37 (hg19) VCF-style: chr10-79784873-T-C.
Other names: short protein forms M116V.
Identifiers: ClinVar variation 2136898 (VCV002136898.5), dbSNP rs2493243515, ClinGen allele CA377347045.
Genomic context (GRCh38, chr10:78,025,115, plus strand): 5'-AGGTCAGGCCGGGCCTCTTTAGATAGTCCAGAAACTGCTTCTTCTCCTCTTGGGACAGCA[T>C]GATGTGGCAGCAGGTTTTGCAGATCATCTTTTTCAAATTAAGCAAGACAGATAAAAGCAT-3'
Protein context (NP_008986.2, residues 106-126): QMICKTCCHI[Met116Val]LSQEEKKQFL

ClinVar aggregate classification (germline): Uncertain significance. Review status: criteria provided, multiple submitters, no conflicts (2 of 4 stars). 2 submissions from 2 submitters: Uncertain significance (2). Last evaluated 2024-10-16.

Conditions:
Leukodystrophy, hypomyelinating, 7, with or without oligodontia and/or hypogonadotropic hypogonadism (HLD7). Also called: LEUKODYSTROPHY, HYPOMYELINATING, 7, WITHOUT OLIGODONTIA OR HYPOGONADOTROPIC HYPOGONADISM; LEUKOENCEPHALOPATHY, HYPOMYELINATING, WITH ATAXIA AND DELAYED DENTITION; ATAXIA, DELAYED DENTITION, AND HYPOMYELINATION; LEUKODYSTROPHY, HYPOMYELINATING, 7, WITH OLIGODONTIA; LEUKODYSTROPHY, HYPOMYELINATING, 7, WITH OLIGODONTIA AND HYPOGONADOTROPIC HYPOGONADISM; Ataxia, Delayed Dentition and Hypomyelination (ADDH). Identifiers: Orphanet 137639, Orphanet 447893, Orphanet 447896, Orphanet 77295, Orphanet 88637, MedGen CN034185, MONDO:0011897, OMIM 607694.

Submissions (2):

Labcorp Genetics (formerly Invitae), Labcorp
Classification: Uncertain significance. Last evaluated: 2024-10-16. Review status: criteria provided, single submitter. Criteria: Invitae Variant Classification Sherloc (09022015). Collection method: clinical testing. Allele origin: germline.
Comment: This sequence change replaces methionine, which is neutral and non-polar, with valine, which is neutral and non-polar, at codon 116 of the POLR3A protein (p.Met116Val). This variant is not present in population databases (gnomAD no frequency). This variant has not been reported in the literature in individuals affected with POLR3A-related conditions. ClinVar contains an entry for this variant (Variation ID: 2136898). Invitae Evidence Modeling of protein sequence and biophysical properties (such as structural, functional, and spatial information, amino acid conservation, physicochemical variation, residue mobility, and thermodynamic stability) indicates that this missense variant is not expected to disrupt POLR3A protein function with a negative predictive value of 80%. In summary, the available evidence is currently insufficient to determine the role of this variant in disease. Therefore, it has been classified as a Variant of Uncertain Significance.

Molecular Diagnostics Lab, Nemours Children's Health, Delaware
Classification: Uncertain significance for Leukodystrophy, hypomyelinating, 7, with or without oligodontia and/or hypogonadotropic hypogonadism. Last evaluated: 2020-12-07. Review status: criteria provided, single submitter. Criteria: ACMG Guidelines, 2015. Collection method: clinical testing. Allele origin: maternal. Inheritance: Autosomal recessive inheritance. Affected: yes. Observed: 1 heterozygote.
Comment: This missense variant (c.346A>G, p.Met116Val) has not been observed in population databases (gnomAD) and the change has not been reported in the literature. No functional studies have been published.